The following is an entry in ClinVar:

NM_022893.4(BCL11A):c.784A>C (p.Thr262Pro)

Gene: BCL11A (BCL11 transcription factor A; minus strand). Cytogenetic location: 2p16.1.
Variant type: single nucleotide variant.
Coding change: c.784A>C on transcript NM_022893.4 (MANE Select); coding-DNA position 784, A replaced by C.
Protein change: p.Thr262Pro; replaces threonine 262 with proline.
Molecular consequence: missense variant. On other transcripts: intron variant (9).
Genome position (GRCh38, 1-based): chr2:60,462,128, T>G on the plus strand (A>C on the coding strand, the complement: BCL11A is on the minus strand). VCF-style: chr2-60462128-T-G. GRCh37 (hg19) VCF-style: chr2-60689263-T-G.
Other names: c.682A>C, p.Thr228Pro (NM_001363864.1, NM_001365609.1, NM_001405711.1 and 2 more transcripts); c.784A>C, p.Thr262Pro (NM_001405708.1, NM_001405709.1, NM_001405710.1 and 1 more transcripts); c.628A>C, p.Thr210Pro (NM_001405713.1, NM_001405714.1, NM_001405715.1 and 3 more transcripts); c.526A>C, p.Thr176Pro (NM_001405717.1, NM_001405718.1, NM_001405724.1); c.451A>C, p.Thr151Pro (NM_001405720.1, NM_001405721.1); c.328A>C, p.Thr110Pro (NM_001405725.1, NM_001405726.1, NM_001405727.1 and 1 more transcripts); c.630+154A>C (NM_138559.2, NM_001405732.1, NM_001405730.1); c.528+154A>C (NM_001405733.1); and 3 more; short protein forms T110P, T151P, T176P, T210P, T228P, T262P.
Identifiers: ClinVar variation 2626960 (VCV002626960.1), dbSNP rs1572953335, ClinGen allele CA347039445.
Genomic context (GRCh38, chr2:60,462,128, plus strand): 5'-GGCGCTCTATGCGGTGGGGGTCCAAGTGATGTCTCGGTGGTGGACTAAACAGGGGGGGAG[T>G]GGGTGGAAAGCGCCCTTCTGCCAGGCCGGAAGCCTCTCTCGATACTGATCCTGGTATTCT-3'
Protein context (NP_075044.2, residues 252-272): SGLAEGRFPP[Thr262Pro]PPLFSPPPRH

ClinVar aggregate classification (germline): Uncertain significance (1 of 4 stars; one submission).

Submission:

Greenwood Genetic Center Diagnostic Laboratories, Greenwood Genetic Center
Classification: Uncertain significance. Last evaluated: 2023-09-21. Review status: criteria provided, single submitter. Criteria: ACMG Guidelines, 2015. Collection method: clinical testing. Allele origin: germline. Affected: yes.
Comment: PM2